The following is an entry in ClinVar:

NM_019594.4(LRRC8A):c.535G>A (p.Glu179Lys)

Gene: LRRC8A (leucine rich repeat containing 8 VRAC subunit A; plus strand). Cytogenetic location: 9q34.11.
Variant type: single nucleotide variant.
Coding change: c.535G>A on transcript NM_019594.4 (MANE Select); coding-DNA position 535, G replaced by A.
Protein change: p.Glu179Lys; replaces glutamic acid 179 with lysine.
Molecular consequence: missense variant.
Genome position (GRCh38, 1-based): chr9:128,907,699, G>A. VCF-style: chr9-128907699-G-A. GRCh37 (hg19) VCF-style: chr9-131669978-G-A.
Other names: c.535G>A, p.Glu179Lys (NM_001127244.2, NM_001127245.2); short protein forms E179K.
Identifiers: ClinVar variation 3632355 (VCV003632355.2).

ClinVar aggregate classification (germline): Uncertain significance (1 of 4 stars; one submission).

Submission:

Labcorp Genetics (formerly Invitae), Labcorp
Classification: Uncertain significance. Last evaluated: 2024-03-27. Review status: criteria provided, single submitter. Criteria: Invitae Variant Classification Sherloc (09022015). Collection method: clinical testing. Allele origin: germline.
Comment: This sequence change replaces glutamic acid, which is acidic and polar, with lysine, which is basic and polar, at codon 179 of the LRRC8A protein (p.Glu179Lys). This variant is not present in population databases (gnomAD no frequency). This variant has not been reported in the literature in individuals affected with LRRC8A-related conditions. An algorithm developed to predict the effect of missense changes on protein structure and function (PolyPhen-2) suggests that this variant is likely to be disruptive. In summary, the available evidence is currently insufficient to determine the role of this variant in disease. Therefore, it has been classified as a Variant of Uncertain Significance.